The following is an entry in ClinVar:

NM_017514.5(PLXNA3):c.3984G>T (p.Lys1328Asn)

Gene: PLXNA3 (plexin A3; plus strand). Cytogenetic location: Xq28.
Variant type: single nucleotide variant.
Coding change: c.3984G>T on transcript NM_017514.5 (MANE Select); coding-DNA position 3984, G replaced by T.
Protein change: p.Lys1328Asn; replaces lysine 1328 with asparagine.
Molecular consequence: missense variant.
Genome position (GRCh38, 1-based): chrX:154,468,323, G>T. VCF-style: chrX-154468323-G-T. GRCh37 (hg19) VCF-style: chrX-153696666-G-T.
Other names: short protein forms K1328N.
Identifiers: ClinVar variation 3349686 (VCV003349686.1).
Genomic context (GRCh38, chrX:154,468,323, plus strand): 5'-AGGGCCGCCCCCACCCTCTGAGACCTCCTGCTCCCCACAGACGCCACCCAACGTGGAGAA[G>T]GCCCTGCGCCTCTTCGGGCAGCTGCTGCACAGCCGCGCGTTCGTGCTTACCTTCATCCAC-3'
Protein context (NP_059984.3, residues 1318-1338): KELDTPPNVE[Lys1328Asn]ALRLFGQLLH

ClinVar aggregate classification (germline): Uncertain significance (0 of 4 stars; one submission).

Conditions:
PLXNA3-related disorder. Also called: PLXNA3-related condition.

Submission:

PreventionGenetics, part of Exact Sciences
Classification: Uncertain significance for PLXNA3-related condition. Last evaluated: 2024-03-28. Review status: no assertion criteria provided. Collection method: clinical testing. Allele origin: germline.
Comment: The PLXNA3 c.3984G>T variant is predicted to result in the amino acid substitution p.Lys1328Asn. To our knowledge, this variant has not been reported in the literature or in a large population database, indicating this variant is rare. At this time, the clinical significance of this variant is uncertain due to the absence of conclusive functional and genetic evidence.